The following is an entry in ClinVar:

NM_002878.4(RAD51D):c.447_450del (p.Leu150fs)

Genes: RAD51D (RAD51 paralog D; minus strand), RAD51L3-RFFL (RAD51L3-RFFL readthrough; minus strand). Cytogenetic location: 17q12.
Variant type: Deletion.
Coding change: c.447_450del on transcript NM_002878.4 (MANE Select); coding-DNA positions 447 to 450, 4 bases deleted (GCTT; older notation c.447_450delGCTT).
Protein change: p.Leu150fs; shifts the reading frame from leucine 150.
Molecular consequence: frameshift variant. On other transcripts: non-coding transcript variant (1), intron variant (1).
Genome position (GRCh38, 1-based): chr17:35,107,018-35,107,021, AAGC deleted on the plus strand (GCTT on the coding strand, the reverse complement: RAD51D is on the minus strand); deleting any 4 consecutive bases within chr17:35,107,018-35,107,022 gives the same sequence; the c. name uses the placement nearest the transcript's 3' end. VCF-style (leftmost placement, unchanged base first): chr17-35107017-GAAGC-G. GRCh37 (hg19) VCF-style: chr17-33434036-GAAGC-G.
Other names: c.447_450del (NM_002878.3); c.507_510del, p.Leu170fs (NM_001142571.2); c.446_449delTGCT, p.Leu150Argfs (NM_002878.3); c.145-540_145-537del (NM_133629.3); short protein forms L170fs, L150fs.
Identifiers: ClinVar variation 3148477 (VCV003148477.3), dbSNP rs2509137669, ClinGen allele CA2825002500.

ClinVar aggregate classification (germline): Pathogenic. Review status: criteria provided, multiple submitters, no conflicts (2 of 4 stars). 2 submissions from 2 submitters: Pathogenic (2). Last evaluated 2026-05-12.

Conditions:
Breast-ovarian cancer, familial, susceptibility to, 4. Identifiers: Orphanet 145, MedGen C3280345, MONDO:0013669, OMIM 614291.

Submissions (2):

GeneDx
Classification: Pathogenic. Last evaluated: 2026-05-12. Review status: criteria provided, single submitter. Criteria: GeneDx Variant Classification Process June 2021. Collection method: clinical testing. Allele origin: germline.
Comment: Frameshift variant predicted to result in protein truncation or nonsense mediated decay in a gene for which loss of function is a known mechanism of disease; Not observed at significant frequency in large population cohorts (gnomAD); This variant is associated with the following publications: (PMID: 35150601)

Myriad Genetics, Inc.
Classification: Pathogenic for Breast-ovarian cancer, familial, susceptibility to, 4. Last evaluated: 2024-01-04. Review status: criteria provided, single submitter. Criteria: Myriad Autosomal Dominant, Autosomal Recessive and X-Linked Classification Criteria (2023). Collection method: clinical testing. Allele origin: unknown.
Comment: This variant is considered pathogenic. This variant creates a frameshift predicted to result in premature protein truncation.